The following is an entry in ClinVar:

ClinVar aggregate classification (germline): Uncertain significance (1 of 4 stars; one submission).

Conditions:
Hereditary cancer-predisposing syndrome. Also called: Hereditary Cancer Syndrome; Hereditary neoplastic syndrome; Neoplastic Syndromes, Hereditary; Tumor predisposition. Identifiers: Orphanet 140162, MedGen C0027672, MeSH D009386, MONDO:0015356.

gnomAD v4.1: 1 of 1,608,216 alleles (0.000062%); highest among the groups gnomAD compares: Non-Finnish European, 0.000085%; no homozygotes.

Submission:

Ambry Genetics
Classification: Uncertain significance for Hereditary cancer-predisposing syndrome. Last evaluated: 2025-05-23. Review status: criteria provided, single submitter. Criteria: Ambry Variant Classification Scheme 2023. Collection method: clinical testing. Allele origin: germline.
Comment: The p.K580T variant (also known as c.1739A>C), located in coding exon 13 of the APC gene, results from an A to C substitution at nucleotide position 1739. The lysine at codon 580 is replaced by threonine, an amino acid with similar properties. This amino acid position is conserved. In addition, in silico predictors for this gene do not accurately predict pathogenicity. Based on the available evidence, the clinical significance of this variant remains unclear.

NM_000038.6(APC):c.1739A>C (p.Lys580Thr)

Gene: APC (APC regulator of Wnt signaling pathway; plus strand). Cytogenetic location: 5q22.2.
Variant type: single nucleotide variant.
Coding change: c.1739A>C on transcript NM_000038.6 (MANE Select); coding-DNA position 1739, A replaced by C.
Protein change: p.Lys580Thr; replaces lysine 580 with threonine.
Molecular consequence: missense variant.
Genome position (GRCh38, 1-based): chr5:112,828,968, A>C. VCF-style: chr5-112828968-A-C. GRCh37 (hg19) VCF-style: chr5-112164665-A-C.
Other names: c.1739A>C, p.Lys580Thr (NM_001127510.3, NM_001354895.2, NM_001407450.1); c.1685A>C, p.Lys562Thr (NM_001127511.3); c.1793A>C, p.Lys598Thr (NM_001354896.2, NM_001407447.1, NM_001407448.1 and 1 more transcripts); c.1769A>C, p.Lys590Thr (NM_001354897.2); c.1664A>C, p.Lys555Thr (NM_001354898.2); c.1655A>C, p.Lys552Thr (NM_001354899.2); c.1616A>C, p.Lys539Thr (NM_001354900.2); c.1562A>C, p.Lys521Thr (NM_001354901.2, NM_001407453.1); and 11 more; short protein forms K451T, K454T, K497T, K555T, K608T, K570T, K420T, K489T.
Identifiers: ClinVar variation 3929586 (VCV003929586.1).
Genomic context (GRCh38, chr5:112,828,968, plus strand): 5'-AAAAGACGTTGCGAGAAGTTGGAAGTGTGAAAGCATTGATGGAATGTGCTTTAGAAGTTA[A>C]AAAGGTACCTTTGAAAACATTTAGTACTATAATATGAATTTCATGTTTGGCTTTTTTTTG-3'
Protein context (NP_000029.2, residues 570-590): KALMECALEV[Lys580Thr]KESTLKSVLS